The following is an entry in ClinVar:

ClinVar aggregate classification (germline): Uncertain significance (1 of 4 stars; one submission).

Submission:

Labcorp Genetics (formerly Invitae), Labcorp
Classification: Uncertain significance. Last evaluated: 2022-09-23. Review status: criteria provided, single submitter. Criteria: Invitae Variant Classification Sherloc (09022015). Collection method: clinical testing. Allele origin: germline.
Comment: In summary, the available evidence is currently insufficient to determine the role of this variant in disease. Therefore, it has been classified as a Variant of Uncertain Significance. Algorithms developed to predict the effect of missense changes on protein structure and function are either unavailable or do not agree on the potential impact of this missense change (SIFT: "Deleterious"; PolyPhen-2: "Probably Damaging"; Align-GVGD: "Class C0"). This variant has not been reported in the literature in individuals affected with TNFAIP3-related conditions. This variant is not present in population databases (gnomAD no frequency). This sequence change replaces cysteine, which is neutral and slightly polar, with glycine, which is neutral and non-polar, at codon 762 of the TNFAIP3 protein (p.Cys762Gly).

NM_001270508.2(TNFAIP3):c.2284T>G (p.Cys762Gly)

Gene: TNFAIP3 (TNF alpha induced protein 3; plus strand). Cytogenetic location: 6q23.3.
Variant type: single nucleotide variant.
Coding change: c.2284T>G on transcript NM_001270508.2 (MANE Select); coding-DNA position 2284, T replaced by G.
Protein change: p.Cys762Gly; replaces cysteine 762 with glycine.
Molecular consequence: missense variant.
Genome position (GRCh38, 1-based): chr6:137,881,230, T>G. VCF-style: chr6-137881230-T-G. GRCh37 (hg19) VCF-style: chr6-138202367-T-G.
Other names: c.2284T>G, p.Cys762Gly (NM_001270507.2, NM_006290.4); short protein forms C762G.
Identifiers: ClinVar variation 1720224 (VCV001720224.5), dbSNP rs2482775007, ClinGen allele CA365797976.